The following is an entry in ClinVar:

ClinVar aggregate classification (germline): Pathogenic (1 of 4 stars; one submission).

Conditions:
Microphthalmia, isolated, with coloboma 3 (MCOPCB3). Also called: MICROPHTHALMIA/COLOBOMA 3; MICROPHTHALMIA, COLOBOMATOUS, 3. Identifiers: Orphanet 98938, MedGen C1864721, MONDO:0012408, OMIM 610092.

Submission:

Myriad Genetics, Inc.
Classification: Pathogenic for Microphthalmia, isolated, with coloboma 3. Last evaluated: 2023-09-27. Review status: criteria provided, single submitter. Criteria: Myriad Autosomal Dominant, Autosomal Recessive and X-Linked Classification Criteria (2023). Collection method: clinical testing. Allele origin: unknown.
Comment: NM_182894.2(VSX2):c.243dupC(G82Rfs*45) is expected to be pathogenic in the context of microphthalmia, anophthalmia, and coloboma, VSX2-related. This variant is predicted to lead to an abnormal or absent protein product due to the creation of a premature termination codon in VSX2, a gene where loss-of-function variants are known to be pathogenic. Please note: this variant was assessed in the context of healthy population screening.

NM_182894.3(VSX2):c.243dup (p.Gly82fs)

Gene: VSX2 (visual system homeobox 2; plus strand). Cytogenetic location: 14q24.3.
Variant type: Duplication.
Coding change: c.243dup on transcript NM_182894.3 (MANE Select); coding-DNA position 243, one base duplicated (C; older notation c.243dupC).
Protein change: p.Gly82fs; shifts the reading frame from glycine 82.
Molecular consequence: frameshift variant.
Genome position (GRCh38, 1-based): chr14:74,239,804, C duplicated; the last of 3 consecutive C bases (chr14:74,239,802-74,239,804); duplicating any one gives the same sequence. VCF-style (leftmost placement, unchanged base first): chr14-74239801-G-GC. GRCh37 (hg19) VCF-style: chr14-74706504-G-GC.
Other names: short protein forms G82fs.
Identifiers: ClinVar variation 5012174 (VCV005012174.1).